The following is an entry in ClinVar:

ClinVar aggregate classification (germline): Pathogenic (1 of 4 stars; one submission).

Submission:

Illumina Laboratory Services, Illumina
Classification: Pathogenic. Last evaluated: 2022-04-11. Review status: criteria provided, single submitter. Criteria: ICSL CNVClassificationCriteria Aug2020. Collection method: clinical testing. Allele origin: unknown.
Comment: This CNV is a 10.6 Mb duplication of 3p25.3-p26.3 on chromosome 3 (seq[GRCh37]dup(3)(p25.3p26.3); chr3:g.60931_10687964dup) found in a de novo state. The CNV constitutes a duplication encompassing 49 protein coding genes. Duplications of varying sizes in this region that are both terminal and interstitial have been reported in the DECIPHER database and in the literature in individuals with partial trisomy 3p syndrome (Firth et al. 2009; Conte et al. 1995). Reported features are highly variable and include craniofacial dysmorphism, developmental delay, and intellectual disability. There are no similar duplications reported in the Genome Aggregation Database (gnomAD SVs version 2.1). Based on the available evidence, this CNV is classified as pathogenic.

Literature cited by the submitters: PubMed 19344873; PubMed 7586645.

GRCh37/hg19 3p26.3-25.3(chr3:60931-10687964)x3

Genes: ARL8B (ARF like GTPase 8B; plus strand), ARPC4 (actin related protein 2/3 complex subunit 4; plus strand), ARPC4-TTLL3 (ARPC4-TTLL3 readthrough; plus strand), ATP2B2 (ATPase plasma membrane Ca2+ transporting 2; minus strand), BHLHE40 (basic helix-loop-helix family member e40; plus strand) and 47 more. Cytogenetic location: 3p26.3-25.3.
Variant type: copy number gain.
Change: copy number 3 (three copies instead of two) of chr3:60,931-10,687,964 (10.63 Mb, GRCh37 coordinates, 1-based), cytogenetic band 3p26.3-25.3.
Identifiers: ClinVar variation 1803810 (VCV001803810.3).